The following is an entry in ClinVar:

NM_000203.5(IDUA):c.1073_1080dup (p.Ala361fs)

Gene: IDUA (alpha-L-iduronidase; plus strand). Cytogenetic location: 4p16.3.
Variant type: Duplication.
Coding change: c.1073_1080dup on transcript NM_000203.5 (MANE Select); coding-DNA positions 1073 to 1080, 8 bases duplicated (ACCCCTTC; older notation c.1073_1080dupACCCCTTC).
Protein change: p.Ala361fs; shifts the reading frame from alanine 361.
Molecular consequence: frameshift variant. On other transcripts: non-coding transcript variant (1).
Genome position (GRCh38, 1-based): chr4:1,002,369-1,002,376, ACCCCTTC duplicated; duplicating any 8 consecutive bases within chr4:1,002,368-1,002,376 gives the same sequence; the c. name uses the placement nearest the transcript's 3' end. VCF-style (leftmost placement, unchanged base first): chr4-1002367-G-GCACCCCTT. GRCh37 (hg19) VCF-style: chr4-996155-G-GCACCCCTT.
Other names: c.677_684dup, p.Ala229fs (NM_001363576.1); short protein forms A229fs, A361fs.
Identifiers: ClinVar variation 5006712 (VCV005006712.2).

ClinVar aggregate classification (germline): Likely pathogenic (1 of 4 stars; one submission).

Conditions:
Hurler syndrome. Also called: MUCOPOLYSACCHARIDOSIS TYPE IH; Severe MPS I (Hurler Syndrome); Gargoylism, Hurler Syndrome. Identifiers: Orphanet 93473, MedGen C0086795, MONDO:0011758, OMIM 607014.
Mucopolysaccharidosis, MPS-I-H/S. Also called: Mucopolysaccharidosis type IH/S. Identifiers: Orphanet 93476, MedGen C0086431, MONDO:0011759, OMIM 607015.
Mucopolysaccharidosis, MPS-I-S. Also called: MUCOPOLYSACCHARIDOSIS TYPE IS; Scheie Syndrome; MPS V; MUCOPOLYSACCHARIDOSIS TYPE V. Identifiers: Orphanet 93474, MedGen C0026708, MONDO:0011760, OMIM 607016.

Submission:

Juno Genomics, Hangzhou Juno Genomics, Inc
Classification: Likely pathogenic for Hurler syndrome; Mucopolysaccharidosis, MPS-I-H/S; Mucopolysaccharidosis, MPS-I-S. Review status: criteria provided, single submitter. Criteria: ACMG Guidelines, 2015. Collection method: clinical testing. Allele origin: germline.
Comment: Null variant in a gene where loss of function (LOF) is a known mechanism of disease.;Absent from controls (or at extremely low frequency if recessive) in Genome Aggregation Database.